The following is an entry in ClinVar:

NM_005956.4(MTHFD1):c.2353T>C (p.Cys785Arg)

Genes: MTHFD1 (methylenetetrahydrofolate dehydrogenase, cyclohydrolase and formyltetrahydrofolate synthetase 1; plus strand), ZBTB25 (zinc finger and BTB domain containing 25; minus strand). Cytogenetic location: 14q23.3.
Variant type: single nucleotide variant.
Coding change: c.2353T>C on transcript NM_005956.4 (MANE Select); coding-DNA position 2353, T replaced by C.
Protein change: p.Cys785Arg; replaces cysteine 785 with arginine.
Molecular consequence: missense variant. On other transcripts: 3 prime UTR variant (1).
Genome position (GRCh38, 1-based): chr14:64,449,518, T>C. VCF-style: chr14-64449518-T-C. GRCh37 (hg19) VCF-style: chr14-64916236-T-C.
Other names: c.2353T>C, p.Cys785Arg (NM_001364837.1); c.*33A>G (NM_001304508.1); short protein forms C785R.
Identifiers: ClinVar variation 1395674 (VCV001395674.8), dbSNP rs2140982417, ClinGen allele CA390002534.

ClinVar aggregate classification (germline): Uncertain significance (1 of 4 stars; one submission).

Submission:

Labcorp Genetics (formerly Invitae), Labcorp
Classification: Uncertain significance. Last evaluated: 2021-05-17. Review status: criteria provided, single submitter. Criteria: Invitae Variant Classification Sherloc (09022015). Collection method: clinical testing. Allele origin: germline.
Comment: In summary, the available evidence is currently insufficient to determine the role of this variant in disease. Therefore, it has been classified as a Variant of Uncertain Significance. Algorithms developed to predict the effect of missense changes on protein structure and function are either unavailable or do not agree on the potential impact of this missense change (SIFT: "Deleterious"; PolyPhen-2: "Possibly Damaging"; Align-GVGD: "Class C0"). This variant has not been reported in the literature in individuals with MTHFD1-related conditions. This variant is not present in population databases (ExAC no frequency). This sequence change replaces cysteine with arginine at codon 785 of the MTHFD1 protein (p.Cys785Arg). The cysteine residue is moderately conserved and there is a large physicochemical difference between cysteine and arginine.